The following is an entry in ClinVar:

ClinVar aggregate classification (germline): Pathogenic/Likely pathogenic. Review status: criteria provided, multiple submitters, no conflicts (2 of 4 stars). 3 submissions from 3 submitters: Pathogenic (2); Likely pathogenic (1). Last evaluated 2025-08-06.

Conditions:
ATM-related disorder. Also called: ATM-related disorders; ATM-related condition.
Ataxia-telangiectasia syndrome (AT). Also called: Ataxia-telangiectasia; LOUIS-BAR SYNDROME; Ataxia-telangiectasia, complementation group D; AT, COMPLEMENTATION GROUP C; ATAXIA-TELANGIECTASIA, COMPLEMENTATION GROUP A; ATAXIA-TELANGIECTASIA, FRESNO VARIANT. Identifiers: Orphanet 100, MedGen C0004135, MONDO:0008840, OMIM 208900.
Hereditary cancer-predisposing syndrome. Also called: Tumor predisposition; Neoplastic Syndromes, Hereditary; Hereditary Cancer Syndrome; Hereditary neoplastic syndrome. Identifiers: Orphanet 140162, MedGen C0027672, MeSH D009386, MONDO:0015356.

Submissions (3):

Labcorp Genetics (formerly Invitae), Labcorp
Classification: Pathogenic for Ataxia-telangiectasia syndrome. Last evaluated: 2025-08-06. Review status: criteria provided, single submitter. Criteria: Invitae Variant Classification Sherloc (09022015). Collection method: clinical testing. Allele origin: germline.
Comment: This sequence change creates a premature translational stop signal (p.Gln2724*) in the ATM gene. It is expected to result in an absent or disrupted protein product. Loss-of-function variants in ATM are known to be pathogenic (PMID: 23807571, 25614872). This variant is not present in population databases (gnomAD no frequency). This variant has not been reported in the literature in individuals affected with ATM-related conditions. ClinVar contains an entry for this variant (Variation ID: 1399055). Algorithms developed to predict the effect of sequence changes on RNA splicing suggest that this variant may disrupt the consensus splice site. For these reasons, this variant has been classified as Pathogenic.

Ambry Genetics
Classification: Pathogenic for Hereditary cancer-predisposing syndrome. Last evaluated: 2025-03-19. Review status: criteria provided, single submitter. Criteria: Ambry Variant Classification Scheme 2023. Collection method: clinical testing. Allele origin: germline.
Comment: The p.Q2724* pathogenic mutation (also known as c.8170C>T), located in coding exon 55 of the ATM gene, results from a C to T substitution at nucleotide position 8170. This changes the amino acid from a glutamine to a stop codon within coding exon 55. This variant is considered to be rare based on population cohorts in the Genome Aggregation Database (gnomAD). This alteration is expected to result in loss of function by premature protein truncation or nonsense-mediated mRNA decay. As such, this alteration is interpreted as a disease-causing mutation.

PreventionGenetics, part of Exact Sciences
Classification: Likely pathogenic for ATM-related condition. Last evaluated: 2022-12-09. Review status: criteria provided, single submitter. Criteria: ACMG Guidelines, 2015. Collection method: clinical testing. Allele origin: germline.
Comment: The ATM c.8170C>T variant is predicted to result in premature protein termination (p.Gln2724*). To our knowledge, this variant has not been previously reported in literature. This variant has not been reported in a large population database, indicating this variant is rare. Nonsense variants in ATM are expected to be pathogenic. This variant is interpreted as likely pathogenic.

Literature cited by the submitters: PubMed 23807571 (cited by Labcorp Genetics (formerly Invitae), Labcorp); PubMed 25614872 (cited by Labcorp Genetics (formerly Invitae), Labcorp).

NM_000051.4(ATM):c.8170C>T (p.Gln2724Ter)

Genes: ATM (ATM serine/threonine kinase; plus strand), C11orf65 (chromosome 11 open reading frame 65; minus strand). Cytogenetic location: 11q22.3.
Variant type: single nucleotide variant.
Coding change: c.8170C>T on transcript NM_000051.4 (MANE Select); coding-DNA position 8170, C replaced by T.
Protein change: p.Gln2724Ter; replaces glutamine 2724 with a stop codon.
Molecular consequence: nonsense. On other transcripts: intron variant (2).
Genome position (GRCh38, 1-based): chr11:108,335,863, C>T. VCF-style: chr11-108335863-C-T. GRCh37 (hg19) VCF-style: chr11-108206590-C-T.
Other names: c.8170C>T, p.Gln2724Ter (NM_001351834.2); c.641-26792G>A (NM_001330368.2); c.695-571G>A (NM_001351110.2); short protein forms Q2724*.
Identifiers: ClinVar variation 1399055 (VCV001399055.8), dbSNP rs2086784990, ClinGen allele CA382562493.
Genomic context (GRCh38, chr11:108,335,863, plus strand): 5'-AAATAAACTGTACTTGTTTATTCATGCTTAATTATTCTGAAGGGCCGTGATGACCTGAGA[C>T]AAGATGCTGTCATGCAACAGGTCTTCCAGATGTGTAATACATTACTGCAGAGAAACACGG-3'